The following is an entry in ClinVar:

NM_000383.4(AIRE):c.974C>T (p.Pro325Leu)

Gene: AIRE (autoimmune regulator; plus strand). Cytogenetic location: 21q22.3.
Variant type: single nucleotide variant.
Coding change: c.974C>T on transcript NM_000383.4 (MANE Select); coding-DNA position 974, C replaced by T.
Protein change: p.Pro325Leu; replaces proline 325 with leucine.
Molecular consequence: missense variant.
Genome position (GRCh38, 1-based): chr21:44,291,189, C>T. VCF-style: chr21-44291189-C-T. GRCh37 (hg19) VCF-style: chr21-45711072-C-T.
Other names: short protein forms P325L.
Identifiers: ClinVar variation 1806643 (VCV001806643.1), dbSNP rs2040535833, ClinGen allele CA410424989.

ClinVar aggregate classification (germline): Uncertain significance (1 of 4 stars; one submission).

Allele frequency attached by ClinVar (database versions not stated): gnomAD 0.00001.
gnomAD v4.1: 1 of 1,601,064 alleles (0.000062%); highest among the groups gnomAD compares: Non-Finnish European, 0.000085%; no homozygotes.

Submission:

GeneDx
Classification: Uncertain significance. Last evaluated: 2022-06-22. Review status: criteria provided, single submitter. Criteria: GeneDx Variant Classification Process June 2021. Collection method: clinical testing. Allele origin: germline. Affected: yes.
Comment: Not observed at significant frequency in large population cohorts (gnomAD); In silico analysis supports that this missense variant has a deleterious effect on protein structure/function; Has not been previously published as pathogenic or benign to our knowledge